The following is an entry in ClinVar:

NM_002474.3(MYH11):c.98A>G (p.Lys33Arg)

Gene: MYH11 (myosin heavy chain 11; minus strand). Cytogenetic location: 16p13.11.
Variant type: single nucleotide variant.
Coding change: c.98A>G on transcript NM_002474.3 (MANE Select); coding-DNA position 98, A replaced by G.
Protein change: p.Lys33Arg; replaces lysine 33 with arginine.
Molecular consequence: missense variant.
Genome position (GRCh38, 1-based): chr16:15,838,155, T>C on the plus strand (A>G on the coding strand, the complement: MYH11 is on the minus strand). VCF-style: chr16-15838155-T-C. GRCh37 (hg19) VCF-style: chr16-15932012-T-C.
Other names: c.98A>G, p.Lys33Arg (NM_001040113.2, NM_001040114.2, NM_022844.3); short protein forms K33R.
Identifiers: ClinVar variation 1381866 (VCV001381866.8), dbSNP rs2043954401, ClinGen allele CA395198688.

ClinVar aggregate classification (germline): Uncertain significance. Review status: criteria provided, multiple submitters, no conflicts (2 of 4 stars). 4 submissions from 4 submitters: Uncertain significance (4). Last evaluated 2025-10-14.

Conditions:
Familial thoracic aortic aneurysm and aortic dissection (TAAD). Also called: Thoracic aortic aneurysms and dissections. Identifiers: Orphanet 91387, MedGen C4707243, MONDO:0019625.
Aortic aneurysm, familial thoracic 4 (AAT4). Also called: AORTIC ANEURYSM/AORTIC DISSECTION AND PATENT DUCTUS ARTERIOSUS. Identifiers: MedGen C1851504, MONDO:0007568, OMIM 132900.

Allele frequency attached by ClinVar (database versions not stated): gnomAD exomes below 0.00001; gnomAD 0.00001; TOPMed 0.00003.
gnomAD v4.1: 3 of 1,613,988 alleles (0.00019%); highest among the groups gnomAD compares: Admixed American, 0.0033%; no homozygotes.

Submissions (4):

Color Diagnostics, LLC DBA Color Health
Classification: Uncertain significance for Familial thoracic aortic aneurysm and aortic dissection. Last evaluated: 2025-10-14. Review status: criteria provided, single submitter. Criteria: ACMG Guidelines, 2015. Collection method: clinical testing. Allele origin: germline.
Comment: This missense variant replaces lysine with arginine at codon 33 of the MYH11 protein. Computational prediction suggests that this variant may not impact protein structure and function. To our knowledge, functional studies have not been reported for this variant. This variant has not been reported in individuals affected with MYH11-related disorders in the literature. This variant has been identified in 3/1613988 chromosomes in the general population by the Genome Aggregation Database (gnomAD). The available evidence is insufficient to determine the role of this variant in disease conclusively. Therefore, this variant is classified as a Variant of Uncertain Significance.

GeneDx
Classification: Uncertain significance. Last evaluated: 2022-11-28. Review status: criteria provided, single submitter. Criteria: GeneDx Variant Classification Process June 2021. Collection method: clinical testing. Allele origin: germline. Affected: yes.
Comment: Has not been previously published as pathogenic or benign to our knowledge; Not observed at significant frequency in large population cohorts (gnomAD); In silico analysis supports that this missense variant does not alter protein structure/function

Labcorp Genetics (formerly Invitae), Labcorp
Classification: Uncertain significance for Aortic aneurysm, familial thoracic 4. Last evaluated: 2022-07-26. Review status: criteria provided, single submitter. Criteria: Invitae Variant Classification Sherloc (09022015). Collection method: clinical testing. Allele origin: germline.
Comment: Algorithms developed to predict the effect of missense changes on protein structure and function (SIFT, PolyPhen-2, Align-GVGD) all suggest that this variant is likely to be tolerated. In summary, the available evidence is currently insufficient to determine the role of this variant in disease. Therefore, it has been classified as a Variant of Uncertain Significance. Algorithms developed to predict the effect of sequence changes on RNA splicing suggest that this variant may create or strengthen a splice site. ClinVar contains an entry for this variant (Variation ID: 1381866). This variant has not been reported in the literature in individuals affected with MYH11-related conditions. This variant is not present in population databases (gnomAD no frequency). This sequence change replaces lysine, which is basic and polar, with arginine, which is basic and polar, at codon 33 of the MYH11 protein (p.Lys33Arg).

Ambry Genetics
Classification: Uncertain significance for Familial thoracic aortic aneurysm and aortic dissection. Last evaluated: 2022-04-04. Review status: criteria provided, single submitter. Criteria: Ambry Variant Classification Scheme 2023. Collection method: clinical testing. Allele origin: germline.
Comment: The p.K33R variant (also known as c.98A>G), located in coding exon 1 of the MYH11 gene, results from an A to G substitution at nucleotide position 98. The lysine at codon 33 is replaced by arginine, an amino acid with highly similar properties. This amino acid position is conserved. In addition, this alteration is predicted to be tolerated by in silico analysis. Since supporting evidence is limited at this time, the clinical significance of this alteration remains unclear.